The following is an entry in ClinVar:

NM_033409.4(SLC52A3):c.134C>T (p.Thr45Met)

Gene: SLC52A3 (solute carrier family 52 member 3; minus strand). Cytogenetic location: 20p13.
Variant type: single nucleotide variant.
Coding change: c.134C>T on transcript NM_033409.4 (MANE Select); coding-DNA position 134, C replaced by T.
Protein change: p.Thr45Met; replaces threonine 45 with methionine.
Molecular consequence: missense variant.
Genome position (GRCh38, 1-based): chr20:765,641, G>A on the plus strand (C>T on the coding strand, the complement: SLC52A3 is on the minus strand). VCF-style: chr20-765641-G-A. GRCh37 (hg19) VCF-style: chr20-746285-G-A.
Other names: c.134C>T, p.Thr45Met (NM_001370085.1, NM_001370086.1); short protein forms T45M.
Identifiers: ClinVar variation 543054 (VCV000543054.7), dbSNP rs776065357, ClinGen allele CA9724827.

ClinVar aggregate classification (germline): Uncertain significance. Review status: criteria provided, multiple submitters, no conflicts (2 of 4 stars). 3 submissions from 3 submitters: Uncertain significance (3). Last evaluated 2024-10-24.

Conditions:
Brown-Vialetto-van Laere syndrome 1. Also called: BROWN-VIALETTO-VAN LAERE SYNDROME 1, MILD; PONTOBULBAR PALSY WITH DEAFNESS; BULBAR PALSY, PROGRESSIVE, WITH SENSORINEURAL DEAFNESS. Identifiers: Orphanet 572550, Orphanet 97229, MedGen C0796274, MONDO:0024537, OMIM 211530.
Inborn genetic diseases. Identifiers: MedGen C0950123, MeSH D030342.
SLC52A3-related disorder. Also called: SLC52A3-related condition.

Allele frequency attached by ClinVar (database versions not stated): gnomAD 0.00003 and 0.00004; gnomAD exomes 0.00003; TOPMed 0.00004; ExAC 0.00001.
gnomAD v4.1: 45 of 1,610,336 alleles (0.0028%); highest among the groups gnomAD compares: Admixed American, 0.0084%; no homozygotes.

Submissions (3):

PreventionGenetics, part of Exact Sciences
Classification: Uncertain significance for SLC52A3-related condition. Last evaluated: 2024-10-24. Review status: criteria provided, single submitter. Criteria: ACMG Guidelines, 2015. Collection method: clinical testing. Allele origin: germline.
Comment: The SLC52A3 c.134C>T variant is predicted to result in the amino acid substitution p.Thr45Met. To our knowledge, this variant has not been reported in the literature. This variant is reported in 0.012% of alleles in individuals of Latino descent in gnomAD. At this time, the clinical significance of this variant is uncertain due to the absence of conclusive functional and genetic evidence.

Ambry Genetics
Classification: Uncertain significance for Inborn genetic diseases. Last evaluated: 2022-05-26. Review status: criteria provided, single submitter. Criteria: Ambry Variant Classification Scheme 2023. Collection method: clinical testing. Allele origin: germline.

Labcorp Genetics (formerly Invitae), Labcorp
Classification: Uncertain significance for Brown-Vialetto-van Laere syndrome 1. Last evaluated: 2021-08-28. Review status: criteria provided, single submitter. Criteria: Invitae Variant Classification Sherloc (09022015). Collection method: clinical testing. Allele origin: germline.
Comment: This sequence change replaces threonine with methionine at codon 45 of the SLC52A3 protein (p.Thr45Met). The threonine residue is highly conserved and there is a moderate physicochemical difference between threonine and methionine. This variant is present in population databases (rs776065357, ExAC 0.02%). This variant has not been reported in the literature in individuals affected with SLC52A3-related conditions. Algorithms developed to predict the effect of missense changes on protein structure and function are either unavailable or do not agree on the potential impact of this missense change (SIFT: "Deleterious"; PolyPhen-2: "Possibly Damaging"; Align-GVGD: "Class C0"). In summary, the available evidence is currently insufficient to determine the role of this variant in disease. Therefore, it has been classified as a Variant of Uncertain Significance.